The following is an entry in ClinVar:

NM_004006.3(DMD):c.2381-1G>A

Gene: DMD (dystrophin; minus strand). Cytogenetic location: Xp21.1.
Variant type: single nucleotide variant.
Coding change: c.2381-1G>A on transcript NM_004006.3 (MANE Select); the canonical splice acceptor site of the intron before coding-DNA position 2381, G replaced by A.
Molecular consequence: splice acceptor variant.
Genome position (GRCh38, 1-based): chrX:32,491,519, C>T on the plus strand (G>A on the coding strand, the complement: DMD is on the minus strand). VCF-style: chrX-32491519-C-T. GRCh37 (hg19) VCF-style: chrX-32509636-C-T.
Other names: c.2357-1G>A (NM_000109.4); c.2369-1G>A (NM_004009.3); c.2012-1G>A (NM_004010.3).
Identifiers: ClinVar variation 3256567 (VCV003256567.1).

ClinVar aggregate classification (germline): Pathogenic (1 of 4 stars; one submission).

Conditions:
Duchenne muscular dystrophy (DMD). Also called: MUSCULAR DYSTROPHY, PSEUDOHYPERTROPHIC PROGRESSIVE, DUCHENNE TYPE; Duchenne Muscular Dystrophy (DMD). Identifiers: Orphanet 98896, MedGen C0013264, MONDO:0010679, OMIM 310200.

Submission:

Laboratory of Medical Genetics, National & Kapodistrian University of Athens
Classification: Pathogenic for Duchenne muscular dystrophy. Last evaluated: 2023-10-23. Review status: criteria provided, single submitter. Criteria: ACMG Guidelines, 2015. Collection method: clinical testing. Allele origin: germline. Affected: yes.
Comment: PVS1, PM2, PP5 - The variant is expected to result in an absent or disrupted protein product. Low frequency in gnomAD population databases.